The following is an entry in ClinVar:

ClinVar aggregate classification (germline): Uncertain significance (1 of 4 stars; one submission).

Allele frequency attached by ClinVar (database versions not stated): gnomAD exomes 0.00001.
gnomAD v4.1: 3 of 1,610,354 alleles (0.00019%); highest among the groups gnomAD compares: Admixed American, 0.005%; no homozygotes.

Submission:

Labcorp Genetics (formerly Invitae), Labcorp
Classification: Uncertain significance. Last evaluated: 2022-08-15. Review status: criteria provided, single submitter. Criteria: Invitae Variant Classification Sherloc (09022015). Collection method: clinical testing. Allele origin: germline.
Comment: This sequence change replaces isoleucine, which is neutral and non-polar, with threonine, which is neutral and polar, at codon 2839 of the CDH23 protein (p.Ile2839Thr). This variant is present in population databases (no rsID available, gnomAD 0.003%). This variant has not been reported in the literature in individuals affected with CDH23-related conditions. Algorithms developed to predict the effect of missense changes on protein structure and function are either unavailable or do not agree on the potential impact of this missense change (SIFT: "Deleterious"; PolyPhen-2: "Not Available"; Align-GVGD: "Class C0"). In summary, the available evidence is currently insufficient to determine the role of this variant in disease. Therefore, it has been classified as a Variant of Uncertain Significance.

NM_022124.6(CDH23):c.8516T>C (p.Ile2839Thr)

Gene: CDH23 (cadherin related 23; plus strand). Cytogenetic location: 10q22.1.
Variant type: single nucleotide variant.
Coding change: c.8516T>C on transcript NM_022124.6 (MANE Select); coding-DNA position 8516, T replaced by C.
Protein change: p.Ile2839Thr; replaces isoleucine 2839 with threonine.
Molecular consequence: missense variant.
Genome position (GRCh38, 1-based): chr10:71,807,723, T>C. VCF-style: chr10-71807723-T-C. GRCh37 (hg19) VCF-style: chr10-73567480-T-C.
Other names: c.1796T>C, p.Ile599Thr (NM_001171933.1, NM_001171934.1); short protein forms I599T, I2839T.
Identifiers: ClinVar variation 2155625 (VCV002155625.1), dbSNP rs1325970332, ClinGen allele CA377131726.